The following is an entry in ClinVar:

NM_178857.6(RP1L1):c.4198C>A (p.Pro1400Thr)

Gene: RP1L1 (RP1 like 1). Cytogenetic location: 8p23.1.
Variant type: single nucleotide variant.
Coding change: c.4198C>A on transcript NM_178857.6 (MANE Select); coding-DNA position 4198, C replaced by A.
Protein change: p.Pro1400Thr; replaces proline 1400 with threonine.
Molecular consequence: missense variant.
Genome position (GRCh38, 1-based): chr8:10,609,900, G>T on the plus strand (C>A on the coding strand, the complement: RP1L1 is on the minus strand). VCF-style: chr8-10609900-G-T. GRCh37 (hg19) VCF-style: chr8-10467410-G-T.
Other names: short protein forms P1400T.
Identifiers: ClinVar variation 909194 (VCV000909194.5), dbSNP rs201750918, ClinGen allele CA4624105.

ClinVar aggregate classification (germline): Conflicting classifications of pathogenicity. Review status: criteria provided, conflicting classifications (1 of 4 stars). 2 submissions from 2 submitters: Uncertain significance (1); Benign (1). Last evaluated 2023-01-05.

Conditions:
Occult macular dystrophy (OCMD). Also called: OCCULT MACULAR DYSTROPHY, SUSCEPTIBILITY TO; OMD. Identifiers: Orphanet 247834, MedGen C3150833, MONDO:0013316, OMIM 613587, HP:0030636.

Allele frequency attached by ClinVar (database versions not stated): gnomAD exomes 0.00001 and 0.00003; ExAC 0.00002; gnomAD 0.00003 and 0.00004; 1000 Genomes Project 0.00040; 1000 Genomes Project 30x 0.00047.

Submissions (2):

Blueprint Genetics
Classification: Uncertain significance. Last evaluated: 2023-01-05. Review status: criteria provided, single submitter. Criteria: ACMG Guidelines, 2015. Collection method: clinical testing. Allele origin: germline.

Illumina Laboratory Services, Illumina
Classification: Benign for Occult macular dystrophy. Last evaluated: 2018-01-13. Review status: criteria provided, single submitter. Criteria: ICSL Variant Classification Criteria 13 December 2019. Collection method: clinical testing. Allele origin: germline.
Comment: This variant was observed in the ICSL laboratory as part of a predisposition screen in an ostensibly healthy population. It had not been previously curated by ICSL or reported in the Human Gene Mutation Database (HGMD: prior to June 1st, 2018), and was therefore a candidate for classification through an automated scoring system. Utilizing variant allele frequency, disease prevalence and penetrance estimates, and inheritance mode, an automated score was calculated to assess if this variant is too frequent to cause the disease. Based on the score and internal cut-off values, a variant classified as benign is not then subjected to further curation. The score for this variant resulted in a classification of benign for this disease.